The following is an entry in ClinVar:

NM_203486.3(DLL3):c.15del (p.Met6fs)

Gene: DLL3 (delta like canonical Notch ligand 3; plus strand). Cytogenetic location: 19q13.2.
Variant type: Deletion.
Coding change: c.15del on transcript NM_203486.3 (MANE Select); coding-DNA position 15, one base deleted (G; older notation c.15delG).
Protein change: p.Met6fs; shifts the reading frame from methionine 6.
Molecular consequence: frameshift variant.
Genome position (GRCh38, 1-based): chr19:39,498,989, G deleted; the last of 2 consecutive G bases (chr19:39,498,988-39,498,989); deleting either gives the same sequence. VCF-style (leftmost placement, unchanged base first): chr19-39498987-CG-C. GRCh37 (hg19) VCF-style: chr19-39989627-CG-C.
Other names: c.15del, p.Met6fs (NM_016941.4); short protein forms M6fs.
Identifiers: ClinVar variation 5019543 (VCV005019543.2).
Genomic context (GRCh38, chr19:39,498,987, plus strand): 5'-CTTGGAAGCCAGCAGCTGCGACTCCCGAGACCCCCCCACCAGAAGGCCATGGTCTCCCCA[CG>C]GATGTCCGGGCTCCTCTCCCAGACTGTGATCCTAGCGCTCATTTTCCTCCCCCAGGTCAG-3'

ClinVar aggregate classification (germline): Likely pathogenic (1 of 4 stars; one submission).

Conditions:
Spondylocostal dysostosis 1, autosomal recessive (SCDO1). Also called: DLL3-Related Spondylocostal Dysostosis, Autosomal Recessive. Identifiers: Orphanet 2311, MedGen CN032975, MONDO:0020692, OMIM 277300.

Submission:

Juno Genomics, Hangzhou Juno Genomics, Inc
Classification: Likely pathogenic for Spondylocostal dysostosis 1, autosomal recessive. Review status: criteria provided, single submitter. Criteria: ACMG Guidelines, 2015. Collection method: clinical testing. Allele origin: germline.
Comment: Absent from controls (or at extremely low frequency if recessive) in Genome Aggregation Database.;Null variant in a gene where loss of function (LOF) is a known mechanism of disease.